The following is an entry in ClinVar:

NM_005045.4(RELN):c.452G>T (p.Gly151Val)

Gene: RELN (reelin; minus strand). Cytogenetic location: 7q22.1.
Variant type: single nucleotide variant.
Coding change: c.452G>T on transcript NM_005045.4 (MANE Select); coding-DNA position 452, G replaced by T.
Protein change: p.Gly151Val; replaces glycine 151 with valine.
Molecular consequence: missense variant.
Genome position (GRCh38, 1-based): chr7:103,833,558, C>A on the plus strand (G>T on the coding strand, the complement: RELN is on the minus strand). VCF-style: chr7-103833558-C-A. GRCh37 (hg19) VCF-style: chr7-103474005-C-A.
Other names: c.452G>T, p.Gly151Val (NM_173054.3); short protein forms G151V.
Identifiers: ClinVar variation 3905838 (VCV003905838.10).
Genomic context (GRCh38, chr7:103,833,558, plus strand): 5'-TTGCCTTCTGTACGTATGGCAGACACTTTGGGTACTTACATGAAATTCACACAGCCTGTG[C>A]CCGCAGGTGGAGCAATCCAGATGAAACTGAGGTTGGTTGTGGGCAGGTGACTCACGTGAG-3'
Protein context (NP_005036.2, residues 141-161): LSFIWIAPPA[Gly151Val]TGCVNFMATA

ClinVar aggregate classification (germline): Uncertain significance (1 of 4 stars; one submission).

gnomAD v4.1: 3 of 1,613,928 alleles (0.00019%); highest among the groups gnomAD compares: African/African-American, 0.0027%; no homozygotes.

Submission:

CeGaT Center for Human Genetics Tuebingen
Classification: Uncertain significance. Last evaluated: 2025-05-01. Review status: criteria provided, single submitter. Criteria: CeGaT Center For Human Genetics Tuebingen Variant Classification Criteria Version 2. Collection method: clinical testing. Allele origin: germline. Affected: yes. Observed: 1 variant allele.
Comment: RELN: PM2